The following is an entry in ClinVar:

NM_024306.5(FA2H):c.159_176del (p.Arg53_Ile58del)

Genes: FA2H (fatty acid 2-hydroxylase; minus strand), LOC130059394 (ATAC-STARR-seq lymphoblastoid silent region 7701; plus strand). Cytogenetic location: 16q23.1.
Variant type: Deletion.
Coding change: c.159_176del on transcript NM_024306.5 (MANE Select); coding-DNA positions 159 to 176, 18 bases deleted (GGCGGGCCAGGACATCAG).
Protein change: p.Arg53_Ile58del.
Molecular consequence: inframe deletion.
Genome position (GRCh38, 1-based): chr16:74,774,580-74,774,597, CTGATGTCCTGGCCCGCC deleted on the plus strand (GGCGGGCCAGGACATCAG on the coding strand, the reverse complement: FA2H is on the minus strand); deleting any 18 consecutive bases within chr16:74,774,580-74,774,600 gives the same sequence; the c. name uses the placement nearest the transcript's 3' end. VCF-style (leftmost placement, unchanged base first): chr16-74774579-GCTGATGTCCTGGCCCGCC-G. GRCh37 (hg19) VCF-style: chr16-74808477-GCTGATGTCCTGGCCCGCC-G.
Identifiers: ClinVar variation 30871 (VCV000030871.15), dbSNP rs759947457, ClinGen allele CA259928.

ClinVar aggregate classification (germline): Pathogenic. Review status: criteria provided, multiple submitters, no conflicts (2 of 4 stars). 9 submissions from 9 submitters: Pathogenic (6). 3 of the submissions do not count toward it. Last evaluated 2025-12-19.

Conditions:
Spastic paraplegia. Identifiers: MedGen C0037772, HP:0001258.
Hereditary spastic paraplegia 35. Also called: SPASTIC PARAPLEGIA 35, AUTOSOMAL RECESSIVE, WITH OR WITHOUT NEURODEGENERATION; Spastic paraplegia 35; LEUKODYSTROPHY, DYSMYELINATING, AND SPASTIC PARAPARESIS WITH OR WITHOUT DYSTONIA; Spastic paraplegia 35, autosomal recessive. Identifiers: Orphanet 171629, MedGen C3496228, MONDO:0012866, OMIM 612319.

Submissions (9):

Labcorp Genetics (formerly Invitae), Labcorp
Classification: Pathogenic for Spastic paraplegia. Last evaluated: 2025-12-19. Review status: criteria provided, single submitter. Criteria: Invitae Variant Classification Sherloc (09022015). Collection method: clinical testing. Allele origin: germline.
Comment: This variant, c.159_176del, results in the deletion of 6 amino acid(s) of the FA2H protein (p.Arg53_Ile58del), but otherwise preserves the integrity of the reading frame. This variant is present in population databases (rs759947457, gnomAD 0.01%). This variant has been observed in individuals with clinical features of FA2H-related conditions and/or hereditary spastic paraplegia (PMID: 20104589, 31130284, 33246395; internal data). It has also been observed to segregate with disease in related individuals. ClinVar contains an entry for this variant (Variation ID: 30871). Algorithms developed to predict the effect of variants on gene product structure and function are not available or were not evaluated for this variant. Experimental studies have shown that this variant affects FA2H function (PMID: 20104589). For these reasons, this variant has been classified as Pathogenic.

Variantyx, Inc.
Classification: Pathogenic for Hereditary spastic paraplegia 35. Last evaluated: 2025-05-09. Review status: criteria provided, single submitter. Criteria: Variantyx Assertion Criteria 2022. Collection method: clinical testing. Allele origin: germline. Inheritance: Autosomal recessive inheritance. Affected: yes.
Comment: This is an in-frame substitution variant in the FA2H gene (OMIM: 611026). Pathogenic variants in this gene have been associated with autosomal recessive spastic paraplegia 35. This variant causes an in-frame deletion of 6 amino acids at position 53 of the FA2H protein (PM4). This variant lies within a known hotspot for pathogenic variants or a well-established critical functional domain of the FA2H protein (PMID: 33246395, 15337768, 38275596) (PM1) and it has a 0.0141% maximum allele frequency in non-founder control populations (PM2). Based on the current evidence, this variant is classified as pathogenic for autosomal recessive spastic paraplegia 35.

First Genomix Gene Laboratory, Genetic Diagnostics Department
Classification: Pathogenic for Hereditary spastic paraplegia 35. Last evaluated: 2025-05-08. Review status: criteria provided, single submitter. Criteria: ACMG Guidelines, 2015. Collection method: clinical testing. Allele origin: germline. Inheritance: Autosomal recessive inheritance. Affected: no. Observed: 1 variant allele.

GeneDx
Classification: Pathogenic. Last evaluated: 2025-01-22. Review status: criteria provided, single submitter. Criteria: GeneDx Variant Classification Process June 2021. Collection method: clinical testing. Allele origin: germline. Affected: yes.
Comment: Published functional studies demonstrate a damaging effect suggesting loss of function (PMID: 20104589); In-frame deletion of 6 amino acids in a non-repeat region; In silico analysis supports a deleterious effect on protein structure/function; Not observed at significant frequency in large population cohorts (gnomAD); This variant is associated with the following publications: (PMID: 31130284, 37152446, 20104589, 33246395, 24359114, 38275596, 36109173, 38306901, 36002593, 37510308, 39304850)

Neuberg Centre For Genomic Medicine, NCGM
Classification: Pathogenic for Hereditary spastic paraplegia 35. Last evaluated: 2023-05-20. Review status: criteria provided, single submitter. Criteria: ACMG Guidelines, 2015. Collection method: clinical testing. Allele origin: germline. Inheritance: Autosomal recessive inheritance. Affected: yes.
Comment: The observed inframe deletion c.159_176del(p.Arg53_Ile58del) variant has been reported previously in homozygous state in patients affected with spastic paraplegia (Abbas S, et. al., 2021). Functional studies demonstrate a damaging effect suggesting loss of function (Dick et al., 2010). This variant is present with an allele frequency of 0.002% in gnomAD Exomes database. This variant has been reported to the ClinVar database as Pathogenic (multiple submissions). It has also been observed to segregate with disease in related individuals (Abbas S, et. al., 2021). This p.Arg53_Ile58del causes deletion of amino acid Arginine at position 53 to Isoleucine at position 58. For these reasons, this variant has been classified as Pathogenic.

3billion
Classification: Pathogenic for Hereditary spastic paraplegia 35. Review status: criteria provided, single submitter. Criteria: ACMG Guidelines, 2015. Collection method: clinical testing. Allele origin: unknown. Affected: yes. Observed: 1 homozygote.
Comment: The variant is observed at an extremely low frequency in the gnomAD v2.1.1 dataset (total allele frequency: 0.002%). Inframe deletion located in a nonrepeat region is predicted to change the length of the protein and disrupt normal protein function. Functional studies provide strong evidence of the variant having a damaging effect on the gene or gene product (PMID: 20104589). The variant has been reported to be in trans with a pathogenic variant as either compound heterozygous or homozygous in at least one similarly affected unrelated individual (PMID: 31130284, 33246395). The variant has been reported to co-segregate with the disease in at least one similarly affected relative/individual in the the same family or the similarly affected unrelated family (PMID: 31130284, 33246395). The variant has been reported to be associated with FA2H-related disorder (ClinVar ID: VCV000030871 / PMID: 20104589). Therefore, this variant is classified as pathogenic according to the recommendation of ACMG/AMP guideline.

Department of Biotechnology and Genetic Engineering, Kohat University of Science and Technology
Classification: Pathogenic for Hereditary spastic paraplegia 35. Last evaluated: 2023-11-02. Review status: no assertion criteria provided. Collection method: research. Allele origin: germline. Affected: yes. Not counted in ClinVar's aggregate classification.

OMIM
Classification: Pathogenic for SPASTIC PARAPLEGIA 35, AUTOSOMAL RECESSIVE. Last evaluated: 2010-04-01. Review status: no assertion criteria provided. Collection method: literature only. Allele origin: germline. Not counted in ClinVar's aggregate classification.

Hong-Tao Li Lab, Institute of Brain Science and Brain-inspired Research, Shandong First Medical University & Shandong Academy of Medical Sciences China
Classification: Pathogenic for Hereditary spastic paraplegia 35. Review status: no assertion criteria provided. Collection method: research. Allele origin: germline. Inheritance: Autosomal recessive inheritance. Affected: yes. Observed: 1 variant allele, 1 homozygote. Not counted in ClinVar's aggregate classification.
Comment: Observed in affected individuals from a Pakistani neurodevelopmental-disorder research cohort of 263 individuals. Classification assigned using the ACMG/AMP framework.

Literature cited by the submitters: PubMed 20104589 (cited by 4 submitters); PubMed 31130284 (cited by 3 submitters); PubMed 33246395 (cited by 4 submitters); PubMed 15337768 (cited by Variantyx, Inc.); PubMed 38275596 (cited by Variantyx, Inc.); PubMed 36002593 (cited by Variantyx, Inc.).